The following is an entry in ClinVar:

NM_212482.4(FN1):c.373T>G (p.Cys125Gly)

Gene: FN1 (fibronectin 1; minus strand). Cytogenetic location: 2q35.
Variant type: single nucleotide variant.
Coding change: c.373T>G on transcript NM_212482.4 (MANE Select); coding-DNA position 373, T replaced by G.
Protein change: p.Cys125Gly; replaces cysteine 125 with glycine.
Molecular consequence: missense variant.
Genome position (GRCh38, 1-based): chr2:215,433,366, A>C on the plus strand (T>G on the coding strand, the complement: FN1 is on the minus strand). VCF-style: chr2-215433366-A-C. GRCh37 (hg19) VCF-style: chr2-216298089-A-C.
Other names: c.373T>G, p.Cys125Gly (NM_001306129.2, NM_001306130.2, NM_001306131.2 and 14 more transcripts); c.373T>G (NM_212482.1); short protein forms C125G.
Identifiers: ClinVar variation 3721595 (VCV003721595.3).

ClinVar aggregate classification (germline): Uncertain significance. Review status: criteria provided, multiple submitters, no conflicts (2 of 4 stars). 2 submissions from 2 submitters: Uncertain significance (2). Last evaluated 2025-09-09.

Conditions:
Inborn genetic diseases. Identifiers: MedGen C0950123, MeSH D030342.

Submissions (2):

Ambry Genetics
Classification: Uncertain significance for Inborn genetic diseases. Last evaluated: 2025-09-09. Review status: criteria provided, single submitter. Criteria: Ambry Variant Classification Scheme 2023. Collection method: clinical testing. Allele origin: germline.
Comment: The c.373T>G (p.C125G) alteration is located in exon 3 (coding exon 3) of the FN1 gene. This alteration results from a T to G substitution at nucleotide position 373, causing the cysteine (C) at amino acid position 125 to be replaced by a glycine (G). This variant was not reported in population-based cohorts in the Genome Aggregation Database (gnomAD). This amino acid position is highly conserved in available vertebrate species. Based on internal structural analysis, C125G is deleterious (Schwarz-Linek, 2003; Rudi&ntilde;o-Pi&ntilde;era, 2007). This alteration is predicted to be deleterious by in silico analysis. Based on insufficient or conflicting evidence, the clinical significance of this alteration remains unclear.

Labcorp Genetics (formerly Invitae), Labcorp
Classification: Uncertain significance. Last evaluated: 2024-09-27. Review status: criteria provided, single submitter. Criteria: Invitae Variant Classification Sherloc (09022015). Collection method: clinical testing. Allele origin: germline.
Comment: This sequence change replaces cysteine, which is neutral and slightly polar, with glycine, which is neutral and non-polar, at codon 125 of the FN1 protein (p.Cys125Gly). This variant is not present in population databases (gnomAD no frequency). This variant has not been reported in the literature in individuals affected with FN1-related conditions. Invitae Evidence Modeling of protein sequence and biophysical properties (such as structural, functional, and spatial information, amino acid conservation, physicochemical variation, residue mobility, and thermodynamic stability) has been performed for this missense variant. However, the output from this modeling did not meet the statistical confidence thresholds required to predict the impact of this variant on FN1 protein function. In summary, the available evidence is currently insufficient to determine the role of this variant in disease. Therefore, it has been classified as a Variant of Uncertain Significance.

Literature cited by the submitters: PubMed 12736686 (cited by Ambry Genetics); PubMed 17368672 (cited by Ambry Genetics).